The following is an entry in ClinVar:

NM_001376.5(DYNC1H1):c.8859G>A (p.Met2953Ile)

Gene: DYNC1H1 (dynein cytoplasmic 1 heavy chain 1; plus strand). Cytogenetic location: 14q32.31.
Variant type: single nucleotide variant.
Coding change: c.8859G>A on transcript NM_001376.5 (MANE Select); coding-DNA position 8859, G replaced by A.
Protein change: p.Met2953Ile; replaces methionine 2953 with isoleucine.
Molecular consequence: missense variant.
Genome position (GRCh38, 1-based): chr14:102,027,261, G>A. VCF-style: chr14-102027261-G-A. GRCh37 (hg19) VCF-style: chr14-102493598-G-A.
Other names: short protein forms M2953I.
Identifiers: ClinVar variation 1717332 (VCV001717332.5), dbSNP rs2048461563, ClinGen allele CA391010109.

ClinVar aggregate classification (germline): Uncertain significance (1 of 4 stars; one submission).

Conditions:
Charcot-Marie-Tooth disease axonal type 2O. Also called: Charcot-Marie-Tooth disease, axonal, type 20; CHARCOT-MARIE-TOOTH NEUROPATHY, AXONAL, TYPE 2O; CHARCOT-MARIE-TOOTH DISEASE, AXONAL, AUTOSOMAL DOMINANT, TYPE 2O; Charcot-Marie-Tooth Neuropathy Type 2O. Identifiers: Orphanet 284232, MedGen C3280220, MONDO:0013644, OMIM 614228.

Submission:

Labcorp Genetics (formerly Invitae), Labcorp
Classification: Uncertain significance for Charcot-Marie-Tooth disease axonal type 2O. Last evaluated: 2022-08-21. Review status: criteria provided, single submitter. Criteria: Invitae Variant Classification Sherloc (09022015). Collection method: clinical testing. Allele origin: germline.
Comment: In summary, the available evidence is currently insufficient to determine the role of this variant in disease. Therefore, it has been classified as a Variant of Uncertain Significance. Advanced modeling of protein sequence and biophysical properties (such as structural, functional, and spatial information, amino acid conservation, physicochemical variation, residue mobility, and thermodynamic stability) performed at Invitae indicates that this missense variant is not expected to disrupt DYNC1H1 protein function. This variant has not been reported in the literature in individuals affected with DYNC1H1-related conditions. This variant is not present in population databases (gnomAD no frequency). This sequence change replaces methionine, which is neutral and non-polar, with isoleucine, which is neutral and non-polar, at codon 2953 of the DYNC1H1 protein (p.Met2953Ile).